The following is an entry in ClinVar:

NM_002224.4(ITPR3):c.127G>A (p.Gly43Arg)

Gene: ITPR3 (inositol 1,4,5-trisphosphate receptor type 3; plus strand). Cytogenetic location: 6p21.31.
Variant type: single nucleotide variant.
Coding change: c.127G>A on transcript NM_002224.4 (MANE Select); coding-DNA position 127, G replaced by A.
Protein change: p.Gly43Arg; replaces glycine 43 with arginine.
Molecular consequence: missense variant.
Genome position (GRCh38, 1-based): chr6:33,640,521, G>A. VCF-style: chr6-33640521-G-A. GRCh37 (hg19) VCF-style: chr6-33608298-G-A.
Other names: short protein forms G43R.
Identifiers: ClinVar variation 4879834 (VCV004879834.1).
Genomic context (GRCh38, chr6:33,640,521, plus strand): 5'-GACCGAGCTGCTTTGTTCCCCAGGCTGGTGGATGACCGCTGTGTGGTGGAGCCCGCGGCC[G>A]GGGACCTGGACAACCCCCCTAAGAAGTTCCGTGGTAAGACCTCCGCTTCCTCTGCCCCCG-3'
Protein context (NP_002215.2, residues 33-53): DDRCVVEPAA[Gly43Arg]DLDNPPKKFR

ClinVar aggregate classification (germline): Uncertain significance (1 of 4 stars; one submission).

Conditions:
Charcot-Marie-Tooth disease, demyelinating, type 1J. Also called: CHARCOT-MARIE-TOOTH NEUROPATHY, DEMYELINATING, TYPE 1J. Identifiers: MedGen C5774249, MONDO:0859311, OMIM 620111.

Submission:

MVZ Medizinische Genetik Mainz
Classification: Uncertain significance for Charcot-Marie-Tooth disease, demyelinating, type 1J. Last evaluated: 2026-06-16. Review status: criteria provided, single submitter. Criteria: UK Practice Guidelines For Variant Classification V4 01 2020. Collection method: clinical testing. Allele origin: germline. Inheritance: Autosomal dominant inheritance. Affected: yes. Observed: 1 variant allele.
Comment: ACMG Criteria: PP3_MOD,PM2_SUP